The following is an entry in ClinVar:

ClinVar aggregate classification (germline): Pathogenic (1 of 4 stars; one submission).

Conditions:
Multiple endocrine neoplasia, type 1 (MEN1). Also called: MEA I; MEN I; WERMER SYNDROME; Endocrine adenomatosis multiple; MEN 1. Identifiers: Orphanet 652, MedGen C0025267, MeSH D018761, MONDO:0007540, OMIM 131100.

Submission:

Labcorp Genetics (formerly Invitae), Labcorp
Classification: Pathogenic for Multiple endocrine neoplasia, type 1. Last evaluated: 2022-10-24. Review status: criteria provided, single submitter. Criteria: Invitae Variant Classification Sherloc (09022015). Collection method: clinical testing. Allele origin: germline.
Comment: A gross deletion of the genomic region encompassing the full coding sequence of the MEN1 gene has been identified. Loss-of-function variants in MEN1 are known to be pathogenic (PMID: 12112656, 17853334). The boundaries of this event are unknown as they extend beyond the assayed region for this gene and therefore may encompass additional genes. A similar copy number variant has been observed in individual(s) with multiple endocrine neoplasia type 1 (PMID: 11836268, 25527055). For these reasons, this variant has been classified as Pathogenic.

Literature cited by the submitters: PubMed 12112656; PubMed 17853334; PubMed 11836268; PubMed 25527055.

NC_000011.10:g.(?_64804334)_(64810716_?)del

Gene: MEN1 (menin 1; minus strand). Cytogenetic location: 11q13.1.
Variant type: Deletion.
Identifiers: ClinVar variation 832847 (VCV000832847.2).